The following is an entry in ClinVar:

NM_003737.4(DCHS1):c.8399C>T (p.Ser2800Leu)

Gene: DCHS1 (dachsous cadherin-related 1; minus strand). Cytogenetic location: 11p15.4.
Variant type: single nucleotide variant.
Coding change: c.8399C>T on transcript NM_003737.4 (MANE Select); coding-DNA position 8399, C replaced by T.
Protein change: p.Ser2800Leu; replaces serine 2800 with leucine.
Molecular consequence: missense variant.
Genome position (GRCh38, 1-based): chr11:6,623,277, G>A on the plus strand (C>T on the coding strand, the complement: DCHS1 is on the minus strand). VCF-style: chr11-6623277-G-A. GRCh37 (hg19) VCF-style: chr11-6644508-G-A.
Other names: short protein forms S2800L.
Identifiers: ClinVar variation 1907408 (VCV001907408.5), dbSNP rs748609148, ClinGen allele CA5859426.
Genomic context (GRCh38, chr11:6,623,277, plus strand): 5'-AAGTGGAAAGCTGGTGCCAGAAATACAGGGTCATACTCATCCTCTCCAGTCACTAGCACC[G>A]ACACAGTGACAGAGGCTGAGAGATTCCCAGCATCAGCAGCACCCACCAGCAGCCGGAAGC-3'
Protein context (NP_003728.1, residues 2790-2810): AGNLSASVTV[Ser2800Leu]VLVTGEDEYD

ClinVar aggregate classification (germline): Uncertain significance (1 of 4 stars; one submission).

Allele frequency attached by ClinVar (database versions not stated): TOPMed 0.00003; gnomAD 0.00005; ExAC 0.00006; gnomAD exomes 0.00007.
gnomAD v4.1: 105 of 1,588,324 alleles (0.0066%); highest among the groups gnomAD compares: Middle Eastern, 0.017%; no homozygotes.

Submission:

Labcorp Genetics (formerly Invitae), Labcorp
Classification: Uncertain significance. Last evaluated: 2025-09-15. Review status: criteria provided, single submitter. Criteria: Invitae Variant Classification Sherloc (09022015). Collection method: clinical testing. Allele origin: germline.
Comment: This sequence change replaces serine, which is neutral and polar, with leucine, which is neutral and non-polar, at codon 2800 of the DCHS1 protein (p.Ser2800Leu). The frequency data for this variant in the population databases is considered unreliable, as metrics indicate poor data quality at this position in the gnomAD database. This variant has not been reported in the literature in individuals affected with DCHS1-related conditions. ClinVar contains an entry for this variant (Variation ID: 1907408). Invitae Evidence Modeling of protein sequence and biophysical properties (such as structural, functional, and spatial information, amino acid conservation, physicochemical variation, residue mobility, and thermodynamic stability) has been performed for this missense variant. However, the output from this modeling did not meet the statistical confidence thresholds required to predict the impact of this variant on DCHS1 protein function. In summary, the available evidence is currently insufficient to determine the role of this variant in disease. Therefore, it has been classified as a Variant of Uncertain Significance.